The following is an entry in ClinVar:

NM_005431.2(XRCC2):c.200T>C (p.Leu67Pro)

Gene: XRCC2 (X-ray repair cross complementing 2; minus strand). Cytogenetic location: 7q36.1.
Variant type: single nucleotide variant.
Coding change: c.200T>C on transcript NM_005431.2 (MANE Select); coding-DNA position 200, T replaced by C.
Protein change: p.Leu67Pro; replaces leucine 67 with proline.
Molecular consequence: missense variant.
Genome position (GRCh38, 1-based): chr7:152,649,285, A>G on the plus strand (T>C on the coding strand, the complement: XRCC2 is on the minus strand). VCF-style: chr7-152649285-A-G. GRCh37 (hg19) VCF-style: chr7-152346370-A-G.
Other names: short protein forms L67P.
Identifiers: ClinVar variation 2562730 (VCV002562730.2), dbSNP rs2485881959, ClinGen allele CA370199213.
Genomic context (GRCh38, chr7:152,649,285, plus strand): 5'-AAGTGGTAATCTGTATCAATAAATAAGACTTCTACTTCCAGGCCACCTTCTGATTTGGGA[A>G]GTATACATCGTGCTGTTAGGTGATAAAGCATTTCTGTTTTTCCTGTTCCTTCTGGGCCAT-3'
Protein context (NP_005422.1, residues 57-77): MLYHLTARCI[Leu67Pro]PKSEGGLEVE

ClinVar aggregate classification (germline): Uncertain significance (1 of 4 stars; one submission).

Conditions:
Hereditary cancer-predisposing syndrome. Also called: Neoplastic Syndromes, Hereditary; Hereditary Cancer Syndrome; Hereditary neoplastic syndrome; Tumor predisposition. Identifiers: Orphanet 140162, MedGen C0027672, MeSH D009386, MONDO:0015356.

Submission:

Ambry Genetics
Classification: Uncertain significance for Hereditary cancer-predisposing syndrome. Last evaluated: 2023-04-23. Review status: criteria provided, single submitter. Criteria: Ambry Variant Classification Scheme 2023. Collection method: clinical testing. Allele origin: germline.
Comment: The p.L67P variant (also known as c.200T>C), located in coding exon 3 of the XRCC2 gene, results from a T to C substitution at nucleotide position 200. The leucine at codon 67 is replaced by proline, an amino acid with similar properties. This amino acid position is conserved. In addition, this alteration is predicted to be deleterious by in silico analysis. Since supporting evidence is limited at this time, the clinical significance of this alteration remains unclear.